The following is an entry in ClinVar:

ClinVar aggregate classification (germline): Uncertain significance (1 of 4 stars; one submission).

Conditions:
Congenital heart defects and ectodermal dysplasia (CHDED). Identifiers: MedGen C4479250, MONDO:0044303, OMIM 617364.

Allele frequency attached by ClinVar (database versions not stated): TOPMed 0.00005 and 0.00007; ExAC 0.00012.
gnomAD v4.1: 29 of 1,613,142 alleles (0.0018%); highest among the groups gnomAD compares: Admixed American, 0.048%; no homozygotes.

Submission:

Baylor Genetics
Classification: Uncertain significance for Congenital heart defects and ectodermal dysplasia. Last evaluated: 2018-07-29. Review status: criteria provided, single submitter. Criteria: ACMG Guidelines, 2015. Collection method: clinical testing. Allele origin: maternal. Affected: yes.
Comment: This variant was determined to be of uncertain significance according to ACMG Guidelines, 2015 [PMID:25741868].

NM_002742.3(PRKD1):c.1947T>G (p.Phe649Leu)

Gene: PRKD1 (protein kinase D1; minus strand). Cytogenetic location: 14q12.
Variant type: single nucleotide variant.
Coding change: c.1947T>G on transcript NM_002742.3 (MANE Select); coding-DNA position 1947, T replaced by G.
Protein change: p.Phe649Leu; replaces phenylalanine 649 with leucine.
Molecular consequence: missense variant.
Genome position (GRCh38, 1-based): chr14:29,599,776, A>C on the plus strand (T>G on the coding strand, the complement: PRKD1 is on the minus strand). VCF-style: chr14-29599776-A-C. GRCh37 (hg19) VCF-style: chr14-30068982-A-C.
Other names: c.1971T>G, p.Phe657Leu (NM_001330069.2); c.1683T>G, p.Phe561Leu (NM_001348390.1); short protein forms F649L, F561L, F657L.
Identifiers: ClinVar variation 1032081 (VCV001032081.1), dbSNP rs565275870, ClinGen allele CA7141006.